The following is an entry in ClinVar:

NM_198428.3(BBS9):c.-407C>G

Gene: BBS9 (Bardet-Biedl syndrome 9; plus strand). Cytogenetic location: 7p14.3.
Variant type: single nucleotide variant.
Coding change: c.-407C>G on transcript NM_198428.3 (MANE Select); 407 bases upstream of the start codon, C replaced by G.
Molecular consequence: 5 prime UTR variant. On other transcripts: non-coding transcript variant (1), intron variant (1).
Genome position (GRCh38, 1-based): chr7:33,129,646, C>G. VCF-style: chr7-33129646-C-G. GRCh37 (hg19) VCF-style: chr7-33169258-C-G.
Other names: c.-407C>G (NM_001033604.2, NM_001033605.2, NM_001348040.3 and 4 more transcripts); c.-708C>G (NM_001348037.3); c.-684C>G (NM_001348038.3, NM_001348039.3); c.-419C>G (NM_001348042.3); c.-434C>G (NM_001348044.3, NM_001348046.3); c.-585C>G (NM_001348045.3); c.-12+94C>G (NM_001348036.1).
Identifiers: ClinVar variation 360051 (VCV000360051.5), dbSNP rs3750123, ClinGen allele CA10626015.

ClinVar aggregate classification (germline): Benign (1 of 4 stars; one submission).

Conditions:
Bardet-Biedl syndrome 9 (BBS9). Identifiers: Orphanet 110, MedGen C1859567, MONDO:0014437, OMIM 615986.

Allele frequency attached by ClinVar (database versions not stated): TOPMed 0.15597; 1000 Genomes Project 30x 0.15662; 1000 Genomes Project 0.15795; gnomAD 0.15979; gnomAD exomes 0.19270.
gnomAD v4.1: 24,817 of 152,934 alleles (16%); highest among the groups gnomAD compares: South Asian, 22%; 2,157 homozygotes.

Submission:

Illumina Laboratory Services, Illumina
Classification: Benign for Bardet-Biedl syndrome 9. Last evaluated: 2018-01-13. Review status: criteria provided, single submitter. Criteria: ICSL Variant Classification Criteria 13 December 2019. Collection method: clinical testing. Allele origin: germline.
Comment: This variant was observed in the ICSL laboratory as part of a predisposition screen in an ostensibly healthy population. It had not been previously curated by ICSL or reported in the Human Gene Mutation Database (HGMD: prior to June 1st, 2018), and was therefore a candidate for classification through an automated scoring system. Utilizing variant allele frequency, disease prevalence and penetrance estimates, and inheritance mode, an automated score was calculated to assess if this variant is too frequent to cause the disease. Based on the score and internal cut-off values, a variant classified as benign is not then subjected to further curation. The score for this variant resulted in a classification of benign for this disease.